The following is an entry in ClinVar:

ClinVar aggregate classification (germline): Uncertain significance (1 of 4 stars; one submission).

Submission:

Labcorp Genetics (formerly Invitae), Labcorp
Classification: Uncertain significance. Last evaluated: 2022-03-14. Review status: criteria provided, single submitter. Criteria: Invitae Variant Classification Sherloc (09022015). Collection method: clinical testing. Allele origin: germline.
Comment: This variant has not been reported in the literature in individuals affected with COL7A1-related conditions. In summary, the available evidence is currently insufficient to determine the role of this variant in disease. Therefore, it has been classified as a Variant of Uncertain Significance. This variant disrupts the triple helix domain of COL7A1. Glycine residues within the Gly-Xaa-Yaa repeats of the triple helix domain are required for the structure and stability of fibrillar collagens (PMID: 7695699, 8218237, 19344236), and variants at these glycine residues in COL7A1 are more frequently observed in individuals with disease than in the general population (PMID: 22058051). However, the clinical significance of this observation remains uncertain since only a limited number of affected individuals have been described to date. Advanced modeling of protein sequence and biophysical properties (such as structural, functional, and spatial information, amino acid conservation, physicochemical variation, residue mobility, and thermodynamic stability) performed at Invitae indicates that this missense variant is expected to disrupt COL7A1 protein function. This variant is not present in population databases (gnomAD no frequency). This sequence change replaces glycine, which is neutral and non-polar, with alanine, which is neutral and non-polar, at codon 1323 of the COL7A1 protein (p.Gly1323Ala).

Literature cited by the submitters: PubMed 7695699; PubMed 8218237; PubMed 19344236; PubMed 22058051.

NM_000094.4(COL7A1):c.3968G>C (p.Gly1323Ala)

Gene: COL7A1 (collagen type VII alpha 1 chain; minus strand). Cytogenetic location: 3p21.31.
Variant type: single nucleotide variant.
Coding change: c.3968G>C on transcript NM_000094.4 (MANE Select); coding-DNA position 3968, G replaced by C.
Protein change: p.Gly1323Ala; replaces glycine 1323 with alanine.
Molecular consequence: missense variant.
Genome position (GRCh38, 1-based): chr3:48,585,043, C>G on the plus strand (G>C on the coding strand, the complement: COL7A1 is on the minus strand). VCF-style: chr3-48585043-C-G. GRCh37 (hg19) VCF-style: chr3-48622476-C-G.
Other names: short protein forms G1323A.
Identifiers: ClinVar variation 2111899 (VCV002111899.4), dbSNP rs2531181692, ClinGen allele CA352697730.
Genomic context (GRCh38, chr3:48,585,043, plus strand): 5'-CCCCACCCACTCAGGCAGCGCCCACCCTGACCTGCAGGACAAGGCTTGCTCACCTTTAGG[C>G]CAGGGGCTCCAGGGGTCCCAGGATTCCCGGCGCGGCCAGGGCTGCCTGGACGCCCATCTG-3'
Protein context (NP_000085.1, residues 1313-1333): AGNPGTPGAP[Gly1323Ala]LKGSPGLPGP